The following is an entry in ClinVar:

ClinVar aggregate classification (germline): Pathogenic. Review status: criteria provided, multiple submitters, no conflicts (2 of 4 stars). 3 submissions from 3 submitters: Pathogenic (3). Last evaluated 2025-11-03.

Conditions:
Neurofibromatosis, type 1 (NF1). Also called: NEUROFIBROMATOSIS, TYPE I, SOMATIC; Peripheral type neurofibromatosis; Neurofibromatosis, type I; VON RECKLINGHAUSEN DISEASE. Identifiers: Orphanet 636, MedGen C0027831, MONDO:0018975, OMIM 162200. Disease mechanism: loss of function.
Tibial pseudarthrosis. Identifiers: MedGen C4024216, HP:0009736.

Submissions (3):

Labcorp Genetics (formerly Invitae), Labcorp
Classification: Pathogenic for Neurofibromatosis, type 1. Last evaluated: 2025-11-03. Review status: criteria provided, single submitter. Criteria: Invitae Variant Classification Sherloc (09022015). Collection method: clinical testing. Allele origin: germline.
Comment: This sequence change affects an acceptor splice site in intron 2 of the NF1 gene. It is expected to disrupt RNA splicing. Variants that disrupt the donor or acceptor splice site typically lead to a loss of protein function (PMID: 16199547), and loss-of-function variants in NF1 are known to be pathogenic (PMID: 10712197, 23913538). This variant is not present in population databases (gnomAD no frequency). Disruption of this splice site has been observed in individual(s) with neurofibromatosis, type 1 (PMID: 10712197, 40025372). ClinVar contains an entry for this variant (Variation ID: 1321309). Algorithms developed to predict the effect of sequence changes on RNA splicing suggest that this variant may disrupt the consensus splice site. For these reasons, this variant has been classified as Pathogenic.

NHS Central & South Genomic Laboratory Hub
Classification: Pathogenic for Neurofibromatosis type 1. Last evaluated: 2025-09-25. Review status: criteria provided, single submitter. Criteria: ACMG Guidelines, 2015. Collection method: clinical testing. Allele origin: germline. Affected: yes.

The Laboratory of Genetics and Metabolism, Hunan Children’s Hospital
Classification: Pathogenic for Tibial pseudarthrosis. Last evaluated: 2021-09-24. Review status: criteria provided, single submitter. Criteria: ACMG Guidelines, 2015. Collection method: research. Allele origin: somatic. Affected: yes. Observed: 1 variant allele.

Literature cited by the submitters: PubMed 16199547 (cited by Labcorp Genetics (formerly Invitae), Labcorp); PubMed 10712197 (cited by Labcorp Genetics (formerly Invitae), Labcorp); PubMed 23913538 (cited by Labcorp Genetics (formerly Invitae), Labcorp); PubMed 40025372 (cited by Labcorp Genetics (formerly Invitae), Labcorp); PubMed 35024939 (cited by The Laboratory of Genetics and Metabolism, Hunan Children’s Hospital).

NM_001042492.3(NF1):c.205-1G>T

Gene: NF1 (neurofibromin 1; plus strand). Cytogenetic location: 17q11.2.
Variant type: single nucleotide variant.
Coding change: c.205-1G>T on transcript NM_001042492.3 (MANE Select); the canonical splice acceptor site of the intron before coding-DNA position 205, G replaced by T.
Molecular consequence: splice acceptor variant.
Genome position (GRCh38, 1-based): chr17:31,159,009, G>T. VCF-style: chr17-31159009-G-T. GRCh37 (hg19) VCF-style: chr17-29486027-G-T.
Other names: c.205-1G>T (NM_000267.4, NM_001128147.3).
Identifiers: ClinVar variation 1321309 (VCV001321309.5), dbSNP rs1555605362, ClinGen allele CA398989476.